The following is an entry in ClinVar:

ClinVar aggregate classification (germline): Uncertain significance. Review status: criteria provided, multiple submitters, no conflicts (2 of 4 stars). 2 submissions from 2 submitters: Uncertain significance (2). Last evaluated 2022-03-07.

Allele frequency attached by ClinVar (database versions not stated): TOPMed below 0.00001; gnomAD 0.00001; gnomAD exomes 0.00001 and 0.00004; ExAC 0.00005; 1000 Genomes Project 0.00020; 1000 Genomes Project 30x 0.00031.
gnomAD v4.1: 23 of 1,613,658 alleles (0.0014%); highest among the groups gnomAD compares: Middle Eastern, 0.033%; no homozygotes.

Submissions (2):

Labcorp Genetics (formerly Invitae), Labcorp
Classification: Uncertain significance. Last evaluated: 2022-03-07. Review status: criteria provided, single submitter. Criteria: Invitae Variant Classification Sherloc (09022015). Collection method: clinical testing. Allele origin: germline.
Comment: This sequence change replaces arginine, which is basic and polar, with glutamine, which is neutral and polar, at codon 598 of the ZNF341 protein (p.Arg598Gln). This variant is present in population databases (rs202136503, gnomAD 0.02%). This variant has not been reported in the literature in individuals affected with ZNF341-related conditions. Algorithms developed to predict the effect of missense changes on protein structure and function (SIFT, PolyPhen-2, Align-GVGD) all suggest that this variant is likely to be tolerated. Algorithms developed to predict the effect of sequence changes on RNA splicing suggest that this variant may create or strengthen a splice site. In summary, the available evidence is currently insufficient to determine the role of this variant in disease. Therefore, it has been classified as a Variant of Uncertain Significance.

Ambry Genetics
Classification: Uncertain significance. Last evaluated: 2021-08-12. Review status: criteria provided, single submitter. Criteria: Ambry Variant Classification Scheme 2023. Collection method: clinical testing. Allele origin: germline.

NM_001282933.2(ZNF341):c.1814G>A (p.Arg605Gln)

Gene: ZNF341 (zinc finger protein 341; plus strand). Cytogenetic location: 20q11.22.
Variant type: single nucleotide variant.
Coding change: c.1814G>A on transcript NM_001282933.2 (MANE Select); coding-DNA position 1814, G replaced by A.
Protein change: p.Arg605Gln; replaces arginine 605 with glutamine.
Molecular consequence: missense variant. On other transcripts: non-coding transcript variant (1).
Genome position (GRCh38, 1-based): chr20:33,783,826, G>A. VCF-style: chr20-33783826-G-A. GRCh37 (hg19) VCF-style: chr20-32371632-G-A.
Other names: c.1544G>A, p.Arg515Gln (NM_001282935.2); c.1793G>A, p.Arg598Gln (NM_032819.5); c.1793G>A (NM_032819.3); short protein forms R605Q, R515Q, R598Q.
Identifiers: ClinVar variation 1410767 (VCV001410767.6), dbSNP rs202136503, ClinGen allele CA9819561.